The following is an entry in ClinVar:

NM_015404.4(WHRN):c.23_26dup (p.Ser11fs)

Gene: WHRN (whirlin; minus strand). Cytogenetic location: 9q32.
Variant type: Duplication.
Coding change: c.23_26dup on transcript NM_015404.4 (MANE Select); coding-DNA positions 23 to 26, 4 bases duplicated (TGTC; older notation c.23_26dupTGTC).
Protein change: p.Ser11fs; shifts the reading frame from serine 11.
Molecular consequence: frameshift variant.
Genome position (GRCh38, 1-based): chr9:114,504,776-114,504,779, GACA duplicated on the plus strand (TGTC on the coding strand, the reverse complement: WHRN is on the minus strand); duplicating any 4 consecutive bases within chr9:114,504,776-114,504,780 gives the same sequence; the c. name uses the placement nearest the transcript's 3' end. VCF-style (leftmost placement, unchanged base first): chr9-114504775-C-CGACA. GRCh37 (hg19) VCF-style: chr9-117267055-C-CGACA.
Other names: c.23_26dup, p.Ser11fs (NM_001173425.2); short protein forms S11fs.
Identifiers: ClinVar variation 3616226 (VCV003616226.3), dbSNP rs1844265121.

ClinVar aggregate classification (germline): Pathogenic/Likely pathogenic. Review status: criteria provided, multiple submitters, no conflicts (2 of 4 stars). 2 submissions from 2 submitters: Pathogenic (1); Likely pathogenic (1). Last evaluated 2025-11-26.

Conditions:
WHRN-related disorder. Also called: WHRN-related condition.

Submissions (2):

Labcorp Genetics (formerly Invitae), Labcorp
Classification: Pathogenic. Last evaluated: 2025-11-26. Review status: criteria provided, single submitter. Criteria: Invitae Variant Classification Sherloc (09022015). Collection method: clinical testing. Allele origin: germline.
Comment: This sequence change creates a premature translational stop signal (p.Ser11Glyfs*169) in the WHRN gene. It is expected to result in an absent or disrupted protein product. Loss-of-function variants in WHRN are known to be pathogenic (PMID: 12833159, 15841483, 22147658). This variant is not present in population databases (gnomAD no frequency). This variant has not been reported in the literature in individuals affected with WHRN-related conditions. ClinVar contains an entry for this variant (Variation ID: 3616226). For these reasons, this variant has been classified as Pathogenic.

Blueprint Genetics
Classification: Likely pathogenic for WHRN-related disorders. Last evaluated: 2021-05-25. Review status: criteria provided, single submitter. Criteria: ACMG Guidelines, 2015. Collection method: clinical testing. Allele origin: germline. Affected: yes. Observed: 1 variant allele.

Literature cited by the submitters: PubMed 12833159 (cited by Labcorp Genetics (formerly Invitae), Labcorp); PubMed 15841483 (cited by Labcorp Genetics (formerly Invitae), Labcorp); PubMed 22147658 (cited by Labcorp Genetics (formerly Invitae), Labcorp).